The following is an entry in ClinVar:

NM_000073.3(CD3G):c.1A>G (p.Met1Val)

Gene: CD3G (CD3 gamma subunit of T-cell receptor complex; plus strand). Cytogenetic location: 11q23.3.
Variant type: single nucleotide variant.
Coding change: c.1A>G on transcript NM_000073.3 (MANE Select); coding-DNA position 1, A replaced by G.
Protein change: p.Met1Val; changes the start codon (methionine 1).
Molecular consequence: missense variant, initiator codon variant.
Genome position (GRCh38, 1-based): chr11:118,344,424, A>G. VCF-style: chr11-118344424-A-G. GRCh37 (hg19) VCF-style: chr11-118215139-A-G.
Other names: short protein forms M1V.
Identifiers: ClinVar variation 12753 (VCV000012753.5), dbSNP rs104894199, ClinGen allele CA150559.
Genomic context (GRCh38, chr11:118,344,424, plus strand): 5'-TGGCTGGCTGGCTGGCTGCTAAGGGCTGCTCCACGCTTTTGCCGGAGGACAGAGACTGAC[A>G]TGGAACAGGGGAAGGGCCTGGCTGTCCTCATCCTGGCTATCATTCTTCTTCAAGGTAAGG-3'
Protein context (NP_000064.1, residues 1-11): [Met1Val]EQGKGLAVLI

ClinVar aggregate classification (germline): Pathogenic/Likely pathogenic. Review status: criteria provided, multiple submitters, no conflicts (2 of 4 stars). 3 submissions from 3 submitters: Pathogenic (1); Likely pathogenic (1). 1 of the submissions does not count toward it. Last evaluated 2024-09-04.

Conditions:
Combined immunodeficiency due to CD3gamma deficiency. Also called: CD3-GAMMA DEFICIENCY; Immunodeficiency 17, CD3 gamma deficient; Immunodeficiency 17; SCID-LIKE IMMUNODEFICIENCY, T CELL-PARTIAL, B CELL-POSITIVE, NK CELL-POSITIVE. Identifiers: Orphanet 169082, MedGen C3810107, MONDO:0014276, OMIM 615607.

Allele frequency attached by ClinVar (database versions not stated): gnomAD exomes below 0.00001.

Submissions (3):

Labcorp Genetics (formerly Invitae), Labcorp
Classification: Likely pathogenic for Combined immunodeficiency due to CD3gamma deficiency. Last evaluated: 2024-09-04. Review status: criteria provided, single submitter. Criteria: Invitae Variant Classification Sherloc (09022015). Collection method: clinical testing. Allele origin: germline.
Comment: This sequence change affects the initiator methionine of the CD3G mRNA. The next in-frame methionine is located at codon 61. The frequency data for this variant in the population databases is considered unreliable, as metrics indicate poor data quality at this position in the gnomAD database. Disruption of the initiator codon has been observed in individual(s) with severe combined immunodeficiency (PMID: 1635567, 29653965). In at least one individual the data is consistent with being in trans (on the opposite chromosome) from a pathogenic variant. It has also been observed to segregate with disease in related individuals. ClinVar contains an entry for this variant (Variation ID: 12753). In summary, the currently available evidence indicates that the variant is pathogenic, but additional data are needed to prove that conclusively. Therefore, this variant has been classified as Likely Pathogenic.

Fulgent Genetics
Classification: Pathogenic for Combined immunodeficiency due to CD3gamma deficiency. Last evaluated: 2024-06-12. Review status: criteria provided, single submitter. Criteria: ACMG Guidelines, 2015. Collection method: clinical testing. Allele origin: germline.

OMIM
Classification: Pathogenic for IMMUNODEFICIENCY 17. Last evaluated: 1992-08-20. Review status: no assertion criteria provided. Collection method: literature only. Allele origin: germline. Not counted in ClinVar's aggregate classification.

Literature cited by the submitters: PubMed 1635567 (cited by Labcorp Genetics (formerly Invitae), Labcorp and OMIM); PubMed 29653965 (cited by Labcorp Genetics (formerly Invitae), Labcorp); PubMed 1709425 (cited by OMIM).